The following is an entry in ClinVar:

NM_017934.7(PHIP):c.3903+7T>C

Genes: IRAK1BP1 (interleukin 1 receptor associated kinase 1 binding protein 1; plus strand), PHIP (PHIP subunit of CUL4-Ring ligase complex; minus strand). Cytogenetic location: 6q14.1.
Variant type: single nucleotide variant.
Coding change: c.3903+7T>C on transcript NM_017934.7 (MANE Select); 7 bases into the intron after coding-DNA position 3903, T replaced by C.
Molecular consequence: intron variant.
Genome position (GRCh38, 1-based): chr6:78,955,225, A>G on the plus strand (T>C on the coding strand, the complement: PHIP is on the minus strand). VCF-style: chr6-78955225-A-G. GRCh37 (hg19) VCF-style: chr6-79664942-A-G.
Identifiers: ClinVar variation 4983101 (VCV004983101.1).

ClinVar aggregate classification (germline): Likely benign (1 of 4 stars; one submission).

Conditions:
PHIP-related disorder. Also called: PHIP-related condition; PHIP-related disorders.

gnomAD v4.1: 3 of 1,593,416 alleles (0.00019%); highest among the groups gnomAD compares: Non-Finnish European, 0.00026%; no homozygotes.

Submission:

PreventionGenetics, part of Exact Sciences
Classification: Likely benign for PHIP-related condition. Last evaluated: 2025-05-09. Review status: criteria provided, single submitter. Criteria: ACMG Guidelines, 2015. Collection method: clinical testing. Allele origin: germline.
Comment: This variant is classified as likely benign based on ACMG/AMP sequence variant interpretation guidelines (Richards et al. 2015 PMID: 25741868, with internal and published modifications).